The following is an entry in ClinVar:

ClinVar aggregate classification (germline): Uncertain significance (1 of 4 stars; one submission).

Conditions:
Cardiovascular phenotype. Identifiers: MedGen CN230736.

Submission:

Ambry Genetics
Classification: Uncertain significance for Cardiovascular phenotype. Last evaluated: 2024-12-29. Review status: criteria provided, single submitter. Criteria: Ambry Variant Classification Scheme 2023. Collection method: clinical testing. Allele origin: germline.
Comment: The p.V1033A variant (also known as c.3098T>C), located in coding exon 21 of the MYH6 gene, results from a T to C substitution at nucleotide position 3098. The valine at codon 1033 is replaced by alanine, an amino acid with similar properties. This amino acid position is conserved. In addition, the in silico prediction for this alteration is inconclusive. Based on the available evidence, the clinical significance of this variant remains unclear.

NM_002471.4(MYH6):c.3098T>C (p.Val1033Ala)

Gene: MYH6 (myosin heavy chain 6; minus strand). Cytogenetic location: 14q11.2.
Variant type: single nucleotide variant.
Coding change: c.3098T>C on transcript NM_002471.4 (MANE Select); coding-DNA position 3098, T replaced by C.
Protein change: p.Val1033Ala; replaces valine 1033 with alanine.
Molecular consequence: missense variant.
Genome position (GRCh38, 1-based): chr14:23,393,349, A>G on the plus strand (T>C on the coding strand, the complement: MYH6 is on the minus strand). VCF-style: chr14-23393349-A-G. GRCh37 (hg19) VCF-style: chr14-23862558-A-G.
Other names: short protein forms V1033A.
Identifiers: ClinVar variation 3876438 (VCV003876438.1).